The following is an entry in ClinVar:

NC_000005.9:g.(?_65367977)_(65374358_?)del

Gene: ERBIN (erbb2 interacting protein; plus strand). Cytogenetic location: 5q12.3.
Variant type: Deletion.
Identifiers: ClinVar variation 3246469 (VCV003246469.1).

ClinVar aggregate classification (germline): Uncertain significance (1 of 4 stars; one submission).

Submission:

Labcorp Genetics (formerly Invitae), Labcorp
Classification: Uncertain significance. Last evaluated: 2023-08-02. Review status: criteria provided, single submitter. Criteria: Invitae Variant Classification Sherloc (09022015). Collection method: clinical testing. Allele origin: unknown.
Comment: In summary, the available evidence is currently insufficient to determine the role of this variant in disease. Therefore, it has been classified as a Variant of Uncertain Significance. Experimental studies and prediction algorithms are not available or were not evaluated, and the functional significance of this variant is currently unknown. This variant has not been reported in the literature in individuals affected with ERBIN-related conditions. This variant is a gross deletion of the genomic region encompassing exon(s) 22-26 of the ERBIN gene, which includes the termination codon. This deletion extends beyond the assayed region for this gene and therefore may encompass additional genes. While this deletion is not anticipated to lead to nonsense mediated decay, it is expected to alter mRNA translation or result in a truncated protein product.